The following is an entry in ClinVar:

ClinVar aggregate classification (germline): Uncertain significance (1 of 4 stars; one submission).

Submission:

GeneDx
Classification: Uncertain significance. Last evaluated: 2025-06-11. Review status: criteria provided, single submitter. Criteria: GeneDx Variant Classification Process June 2021. Collection method: clinical testing. Allele origin: germline. Affected: yes.
Comment: Not observed at significant frequency in large population cohorts (gnomAD); In silico analysis supports that this missense variant has a deleterious effect on protein structure/function; Has not been previously published as pathogenic or benign to our knowledge

NM_001904.4(CTNNB1):c.1803G>C (p.Gln601His)

Gene: CTNNB1 (catenin beta 1; plus strand). Cytogenetic location: 3p22.1.
Variant type: single nucleotide variant.
Coding change: c.1803G>C on transcript NM_001904.4 (MANE Select); coding-DNA position 1803, G replaced by C.
Protein change: p.Gln601His; replaces glutamine 601 with histidine.
Molecular consequence: missense variant.
Genome position (GRCh38, 1-based): chr3:41,235,843, G>C. VCF-style: chr3-41235843-G-C. GRCh37 (hg19) VCF-style: chr3-41277334-G-C.
Other names: c.1803G>C, p.Gln601His (NM_001098209.2, NM_001098210.2, NM_001438871.1 and 4 more transcripts); c.1782G>C, p.Gln594His (NM_001330729.2); short protein forms Q594H, Q601H.
Identifiers: ClinVar variation 4538127 (VCV004538127.1).
Genomic context (GRCh38, chr3:41,235,843, plus strand): 5'-TCGGGATGTTCACAACCGAATTGTTATCAGAGGACTAAATACCATTCCATTGTTTGTGCA[G>C]GTATGTTTTAAGTGAAGTGTTCTAGGTTTTATGTCCATAAAATTTCCAGATTGTAATGAC-3'
Protein context (NP_001895.1, residues 591-611): RGLNTIPLFV[Gln601His]LLYSPIENIQ